The following is an entry in ClinVar:

ClinVar aggregate classification (germline): Uncertain significance. Review status: criteria provided, multiple submitters, no conflicts (2 of 4 stars). 2 submissions from 2 submitters: Uncertain significance (2). Last evaluated 2024-04-05.

Conditions:
Inborn genetic diseases. Identifiers: MedGen C0950123, MeSH D030342.

Allele frequency attached by ClinVar (database versions not stated): gnomAD 0.00002; TOPMed 0.00002; ExAC 0.00003.

Submissions (2):

Labcorp Genetics (formerly Invitae), Labcorp
Classification: Uncertain significance. Last evaluated: 2024-04-05. Review status: criteria provided, single submitter. Criteria: Invitae Variant Classification Sherloc (09022015). Collection method: clinical testing. Allele origin: germline.
Comment: This sequence change replaces alanine, which is neutral and non-polar, with threonine, which is neutral and polar, at codon 1562 of the APC2 protein (p.Ala1562Thr). This variant is present in population databases (rs748505123, gnomAD 0.02%). This variant has not been reported in the literature in individuals affected with APC2-related conditions. ClinVar contains an entry for this variant (Variation ID: 1955600). Advanced modeling of protein sequence and biophysical properties (such as structural, functional, and spatial information, amino acid conservation, physicochemical variation, residue mobility, and thermodynamic stability) performed at Invitae indicates that this missense variant is expected to disrupt APC2 protein function with a positive predictive value of 80%. In summary, the available evidence is currently insufficient to determine the role of this variant in disease. Therefore, it has been classified as a Variant of Uncertain Significance.

Ambry Genetics
Classification: Uncertain significance for Inborn genetic diseases. Last evaluated: 2021-06-18. Review status: criteria provided, single submitter. Criteria: Ambry Variant Classification Scheme 2023. Collection method: clinical testing. Allele origin: germline.

NM_005883.3(APC2):c.4684G>A (p.Ala1562Thr)

Gene: APC2 (APC regulator of Wnt signaling pathway 2; plus strand). Cytogenetic location: 19p13.3.
Variant type: single nucleotide variant.
Coding change: c.4684G>A on transcript NM_005883.3 (MANE Select); coding-DNA position 4684, G replaced by A.
Protein change: p.Ala1562Thr; replaces alanine 1562 with threonine.
Molecular consequence: missense variant.
Genome position (GRCh38, 1-based): chr19:1,467,985, G>A. VCF-style: chr19-1467985-G-A. GRCh37 (hg19) VCF-style: chr19-1467984-G-A.
Other names: c.4681G>A, p.Ala1561Thr (NM_001351273.1); short protein forms A1561T, A1562T.
Identifiers: ClinVar variation 1955600 (VCV001955600.6), dbSNP rs748505123, ClinGen allele CA9045894.